The following is an entry in ClinVar:

ClinVar aggregate classification (germline): Uncertain significance (1 of 4 stars; one submission).

Allele frequency attached by ClinVar (database versions not stated): gnomAD 0.00001; 1000 Genomes Project 30x 0.00031; TOPMed below 0.00001; ExAC 0.00001; gnomAD exomes 0.00001 and 0.00002; 1000 Genomes Project 0.00020.
gnomAD v4.1: 6 of 1,614,104 alleles (0.00037%); highest among the groups gnomAD compares: Admixed American, 0.01%; no homozygotes.

Submission:

Labcorp Genetics (formerly Invitae), Labcorp
Classification: Uncertain significance. Last evaluated: 2025-10-26. Review status: criteria provided, single submitter. Criteria: Invitae Variant Classification Sherloc (09022015). Collection method: clinical testing. Allele origin: germline.
Comment: This sequence change replaces methionine, which is neutral and non-polar, with threonine, which is neutral and polar, at codon 418 of the ACVR1 protein (p.Met418Thr). This variant is present in population databases (rs549634108, gnomAD 0.009%). This variant has not been reported in the literature in individuals affected with ACVR1-related conditions. ClinVar contains an entry for this variant (Variation ID: 1474064). An algorithm developed to predict the effect of missense changes on protein structure and function (PolyPhen-2) suggests that this variant is likely to be tolerated. In summary, the available evidence is currently insufficient to determine the role of this variant in disease. Therefore, it has been classified as a Variant of Uncertain Significance.

NM_001111067.4(ACVR1):c.1253T>C (p.Met418Thr)

Gene: ACVR1 (activin A receptor type 1; minus strand). Cytogenetic location: 2q24.1.
Variant type: single nucleotide variant.
Coding change: c.1253T>C on transcript NM_001111067.4 (MANE Select); coding-DNA position 1253, T replaced by C.
Protein change: p.Met418Thr; replaces methionine 418 with threonine.
Molecular consequence: missense variant.
Genome position (GRCh38, 1-based): chr2:157,760,891, A>G on the plus strand (T>C on the coding strand, the complement: ACVR1 is on the minus strand). VCF-style: chr2-157760891-A-G. GRCh37 (hg19) VCF-style: chr2-158617403-A-G.
Other names: c.1253T>C, p.Met418Thr (NM_001105.5, NM_001347663.1, NM_001347664.1 and 3 more transcripts); short protein forms M418T.
Identifiers: ClinVar variation 1474064 (VCV001474064.6), dbSNP rs549634108, ClinGen allele CA1918996.